The following is an entry in ClinVar:

ClinVar aggregate classification (germline): Uncertain significance. Review status: criteria provided, multiple submitters, no conflicts (2 of 4 stars). 2 submissions from 2 submitters: Uncertain significance (2). Last evaluated 2021-12-03.

Conditions:
Familial focal epilepsy with variable foci (FPEVF). Identifiers: Orphanet 98820, MedGen C1858477, MONDO:0020310.

Submissions (2):

GeneDx
Classification: Uncertain significance. Last evaluated: 2021-12-03. Review status: criteria provided, single submitter. Criteria: GeneDx Variant Classification Process June 2021. Collection method: clinical testing. Allele origin: germline. Affected: yes.
Comment: Not observed at significant frequency in large population cohorts (gnomAD); In silico analysis supports that this missense variant does not alter protein structure/function; Has not been previously published as pathogenic or benign to our knowledge

Labcorp Genetics (formerly Invitae), Labcorp
Classification: Uncertain significance for Familial focal epilepsy with variable foci. Last evaluated: 2021-08-27. Review status: criteria provided, single submitter. Criteria: Invitae Variant Classification Sherloc (09022015). Collection method: clinical testing. Allele origin: germline.
Comment: This sequence change replaces serine with proline at codon 548 of the DEPDC5 protein (p.Ser548Pro). The serine residue is highly conserved and there is a moderate physicochemical difference between serine and proline. This variant is not present in population databases (ExAC no frequency). This variant has not been reported in the literature in individuals affected with DEPDC5-related conditions. Algorithms developed to predict the effect of missense changes on protein structure and function are either unavailable or do not agree on the potential impact of this missense change (SIFT: "Tolerated"; PolyPhen-2: "Not Available"; Align-GVGD: "Class C0"). In summary, the available evidence is currently insufficient to determine the role of this variant in disease. Therefore, it has been classified as a Variant of Uncertain Significance.

NM_001242896.3(DEPDC5):c.1642T>C (p.Ser548Pro)

Gene: DEPDC5 (DEP domain containing 5, GATOR1 subcomplex subunit; plus strand). Cytogenetic location: 22q12.3.
Variant type: single nucleotide variant.
Coding change: c.1642T>C on transcript NM_001242896.3 (MANE Select); coding-DNA position 1642, T replaced by C.
Protein change: p.Ser548Pro; replaces serine 548 with proline.
Molecular consequence: missense variant. On other transcripts: non-coding transcript variant (5).
Genome position (GRCh38, 1-based): chr22:31,815,188, T>C. VCF-style: chr22-31815188-T-C. GRCh37 (hg19) VCF-style: chr22-32211174-T-C.
Other names: c.1642T>C, p.Ser548Pro (NM_001007188.4, NM_001136029.4, NM_001242897.2 and 7 more transcripts); c.1558T>C, p.Ser520Pro (NM_001369901.1, NM_001369902.1); short protein forms S548P, S520P.
Identifiers: ClinVar variation 1474804 (VCV001474804.6), dbSNP rs2148760176, ClinGen allele CA411278513.